The following is an entry in ClinVar:

ClinVar aggregate classification (germline): Likely benign (0 of 4 stars; one submission).

Conditions:
PIGF-related condition.

Submission:

PreventionGenetics, part of Exact Sciences
Classification: Likely benign for PIGF-related condition. Last evaluated: 2024-05-24. Review status: no assertion criteria provided. Collection method: clinical testing. Allele origin: germline.
Comment: This variant is classified as likely benign based on ACMG/AMP sequence variant interpretation guidelines (Richards et al. 2015 PMID: 25741868, with internal and published modifications).

NM_002643.4(PIGF):c.321-5dup

Gene: PIGF (phosphatidylinositol glycan anchor biosynthesis class F; minus strand). Cytogenetic location: 2p21.
Variant type: Duplication.
Coding change: c.321-5dup on transcript NM_002643.4 (MANE Select); 5 bases into the intron before coding-DNA position 321, one base duplicated (T; older notation c.321-5dupT).
Molecular consequence: intron variant.
Genome position (GRCh38, 1-based): chr2:46,612,349, A duplicated on the plus strand (T on the coding strand, the reverse complement: PIGF is on the minus strand); the first of 11 consecutive A bases (chr2:46,612,349-46,612,359); duplicating any one gives the same sequence. VCF-style (leftmost placement, unchanged base first): chr2-46612348-G-GA. GRCh37 (hg19) VCF-style: chr2-46839487-G-GA.
Other names: c.321-5dup (NM_173074.3).
Identifiers: ClinVar variation 3352498 (VCV003352498.1).
Genomic context (GRCh38, chr2:46,612,348, plus strand): 5'-GGCACAGTAGTAAAAGTAGACAAAATAACTGCAAATAAAAATGTTTCCAATGCCAACCTA[G>GA]AAAAAAAAAAAGATTACTTTTTAAAAAAGTGTTAAAGGTAAACATACACATACATAATCT-3'